The following is an entry in ClinVar:

NM_006035.4(CDC42BPB):c.3916T>C (p.Tyr1306His)

Gene: CDC42BPB (CDC42 binding protein kinase beta; minus strand). Cytogenetic location: 14q32.32.
Variant type: single nucleotide variant.
Coding change: c.3916T>C on transcript NM_006035.4 (MANE Select); coding-DNA position 3916, T replaced by C.
Protein change: p.Tyr1306His; replaces tyrosine 1306 with histidine.
Molecular consequence: missense variant.
Genome position (GRCh38, 1-based): chr14:102,944,383, A>G on the plus strand (T>C on the coding strand, the complement: CDC42BPB is on the minus strand). VCF-style: chr14-102944383-A-G. GRCh37 (hg19) VCF-style: chr14-103410720-A-G.
Other names: c.3838T>C, p.Tyr1280His (NM_001411054.1); short protein forms Y1280H, Y1306H.
Identifiers: ClinVar variation 3902053 (VCV003902053.1).

ClinVar aggregate classification (germline): Uncertain significance (1 of 4 stars; one submission).

Conditions:
Chilton-Okur-Chung neurodevelopmental syndrome (CHOCNS). Identifiers: MedGen C5677022, MONDO:0859239, OMIM 619841.

Submission:

Laboratorio de Genetica e Diagnostico Molecular, Hospital Israelita Albert Einstein
Classification: Uncertain significance for Chilton-Okur-Chung neurodevelopmental syndrome. Last evaluated: 2024-01-30. Review status: criteria provided, single submitter. Criteria: ACMG Guidelines, 2015. Collection method: clinical testing. Allele origin: germline. Affected: yes.
Comment: ACMG classification criteria: PM2 supporting, PP2 supporting, BP4 supporting